The following is an entry in ClinVar:

NM_001376.5(DYNC1H1):c.7387C>T (p.His2463Tyr)

Gene: DYNC1H1 (dynein cytoplasmic 1 heavy chain 1; plus strand). Cytogenetic location: 14q32.31.
Variant type: single nucleotide variant.
Coding change: c.7387C>T on transcript NM_001376.5 (MANE Select); coding-DNA position 7387, C replaced by T.
Protein change: p.His2463Tyr; replaces histidine 2463 with tyrosine.
Molecular consequence: missense variant.
Genome position (GRCh38, 1-based): chr14:102,016,000, C>T. VCF-style: chr14-102016000-C-T. GRCh37 (hg19) VCF-style: chr14-102482337-C-T.
Other names: short protein forms H2463Y.
Identifiers: ClinVar variation 3384815 (VCV003384815.1).

ClinVar aggregate classification (germline): Uncertain significance (1 of 4 stars; one submission).

Submission:

Women's Health and Genetics/Laboratory Corporation of America, LabCorp
Classification: Uncertain significance. Last evaluated: 2024-10-09. Review status: criteria provided, single submitter. Criteria: LabCorp Variant Classification Summary - May 2015. Collection method: clinical testing. Allele origin: germline.
Comment: Variant summary: DYNC1H1 c.7387C>T (p.His2463Tyr) results in a conservative amino acid change located in the Dynein heavy chain, AAA 5 extension domain (IPR041466) of the encoded protein sequence. Four of five in-silico tools predict a benign effect of the variant on protein function. The frequency data for this variant in gnomAD is considered unreliable, as metrics indicate poor data quality at this position. To our knowledge, no occurrence of c.7387C>T in individuals affected with DYNC1H1-Related Disorders and no experimental evidence demonstrating its impact on protein function have been reported. No submitters have cited clinical-significance assessments for this variant to ClinVar. Based on the evidence outlined above, the variant was classified as uncertain significance.